The following is an entry in ClinVar:

ClinVar aggregate classification (germline): Pathogenic (1 of 4 stars; one submission).

Submission:

GeneDx
Classification: Pathogenic. Last evaluated: 2016-05-16. Review status: criteria provided, single submitter. Criteria: GeneDx Variant Classification (06012015). Collection method: clinical testing. Allele origin: germline. Affected: yes.
Comment: The c.1153_1154insCGCCGCAA pathogenic variant in the AHDC1 gene has not been reported previously as a pathogenic variant nor as a benign variant, to our knowledge. The c.1153_1154insCGCCGCAA variant causes a frameshift starting with codon Arginine 385, changes this amino acid to a Proline residue, and creates a premature Stop codon at position 70 of the new reading frame, denoted p.Arg385ProfsX70. This variant is predicted to cause loss of normal protein function through protein truncation as the last 1219 amino acids of the AHDC1 protein are lost and replaced with 69 incorrect amino acids. The c.1153_1154insCGCCGCAA variant was not observed in approximately 6100 individuals of European and African American ancestry in the NHLBI Exome Sequencing Project, indicating it is not a common benign variant in these populations. We interpret c.1153_1154insCGCCGCAA as a pathogenic variant.

NM_001371928.1(AHDC1):c.1153_1154insCGCCGCAA (p.Arg385fs)

Gene: AHDC1 (AT-hook DNA binding motif containing 1; minus strand). Cytogenetic location: 1p36.11.
Variant type: Insertion.
Coding change: c.1153_1154insCGCCGCAA on transcript NM_001371928.1 (MANE Select); coding-DNA positions 1153 to 1154, CGCCGCAA inserted.
Protein change: p.Arg385fs; shifts the reading frame from arginine 385.
Molecular consequence: frameshift variant.
Genome position: GRCh38 VCF-style: chr1-27550962-C-CTTGCGGCG. GRCh37 (hg19) VCF-style: chr1-27877473-C-CTTGCGGCG.
Other names: c.1153_1154insCGCCGCAA, p.Arg385fs (NM_001029882.3); short protein forms R385fs.
Identifiers: ClinVar variation 421238 (VCV000421238.2), dbSNP rs1064795000, ClinGen allele CA16617138.
Genomic context (GRCh38, chr1:27,550,962, plus strand): 5'-GCCTTGCGTCCCCGTCCGGCTTTCCGCCGGCGACACAGGATCTTTGGCCTATCAGTGCGC[C>CTTGCGGCG]GCAAGGCGTACTTGGGGTGACCCTCAGGCCCGGGGGGGCCGTGCGGTGAGCACAAGTCCA-3'